The following is an entry in ClinVar:

NM_006306.4(SMC1A):c.2228A>G (p.Asn743Ser)

Gene: SMC1A (structural maintenance of chromosomes 1A; minus strand). Cytogenetic location: Xp11.22.
Variant type: single nucleotide variant.
Coding change: c.2228A>G on transcript NM_006306.4 (MANE Select); coding-DNA position 2228, A replaced by G.
Protein change: p.Asn743Ser; replaces asparagine 743 with serine.
Molecular consequence: missense variant.
Genome position (GRCh38, 1-based): chrX:53,403,862, T>C on the plus strand (A>G on the coding strand, the complement: SMC1A is on the minus strand). VCF-style: chrX-53403862-T-C. GRCh37 (hg19) VCF-style: chrX-53430794-T-C.
Other names: c.2162A>G, p.Asn721Ser (NM_001281463.1); short protein forms N721S, N743S.
Identifiers: ClinVar variation 1305502 (VCV001305502.2), dbSNP rs2146598457, ClinGen allele CA413251367.

ClinVar aggregate classification (germline): Uncertain significance (1 of 4 stars; one submission).

Submission:

GeneDx
Classification: Uncertain significance. Last evaluated: 2019-04-25. Review status: criteria provided, single submitter. Criteria: GeneDx Variant Classification Process June 2021. Collection method: clinical testing. Allele origin: germline. Affected: yes.
Comment: Has not been previously published as pathogenic or benign to our knowledge; Not observed in large population cohorts (Lek et al., 2016); The majority of missense variants in this gene are considered pathogenic (Stenson et al., 2014); In silico analysis, which includes protein predictors and evolutionary conservation, supports that this variant does not alter protein structure/function